The following is an entry in ClinVar:

NM_020247.5(COQ8A):c.67G>A (p.Val23Met)

Gene: COQ8A (coenzyme Q8A; plus strand). Cytogenetic location: 1q42.13.
Variant type: single nucleotide variant.
Coding change: c.67G>A on transcript NM_020247.5 (MANE Select); coding-DNA position 67, G replaced by A.
Protein change: p.Val23Met; replaces valine 23 with methionine.
Molecular consequence: missense variant.
Genome position (GRCh38, 1-based): chr1:226,961,452, G>A. VCF-style: chr1-226961452-G-A. GRCh37 (hg19) VCF-style: chr1-227149153-G-A.
Other names: p.V23M:GTG>ATG; p.Val23Met; short protein forms V23M.
Identifiers: ClinVar variation 136295 (VCV000136295.63), dbSNP rs35582308, ClinGen allele CA289296.
Genomic context (GRCh38, chr1:226,961,452, plus strand): 5'-GCCATATTGGGAGACACCATCATGGTGGCTAAAGGCCTTGTCAAGCTGACCCAGGCGGCC[G>A]TGGAAACCCACCTGCAGCACTTGGGCATCGGAGGGGAGCTGATCATGGCGGCCAGGGCCC-3'
Protein context (NP_064632.2, residues 13-33): KGLVKLTQAA[Val23Met]ETHLQHLGIG

ClinVar aggregate classification (germline): Conflicting classifications of pathogenicity. Review status: criteria provided, conflicting classifications (1 of 4 stars). 8 submissions from 8 submitters: Uncertain significance (5); Benign (2); Likely benign (1). Last evaluated 2026-02-01.

Conditions:
Inborn genetic diseases. Identifiers: MedGen C0950123, MeSH D030342.
Autosomal recessive ataxia due to ubiquinone deficiency. Also called: Coenzyme Q10 deficiency, primary, 4; SPINOCEREBELLAR ATAXIA, AUTOSOMAL RECESSIVE 9. Identifiers: Orphanet 139485, MedGen C2677589, MONDO:0012784, OMIM 612016.

Allele frequency attached by ClinVar (database versions not stated): 1000 Genomes Project 30x 0.00016; 1000 Genomes Project 0.00020; ExAC 0.00053; gnomAD exomes 0.00053 and 0.00094; gnomAD 0.00054 and 0.00058; TOPMed 0.00057; ESP Exome Variant Server 0.00069.
gnomAD v4.1: 1,422 of 1,613,846 alleles (0.088%); highest among the groups gnomAD compares: Non-Finnish European, 0.11%; 2 homozygotes.

Submissions (8):

Labcorp Genetics (formerly Invitae), Labcorp
Classification: Likely benign. Last evaluated: 2026-02-01. Review status: criteria provided, single submitter. Criteria: Invitae Variant Classification Sherloc (09022015). Collection method: clinical testing. Allele origin: germline.

Mayo Clinic Laboratories, Mayo Clinic
Classification: Uncertain significance. Last evaluated: 2025-10-23. Review status: criteria provided, single submitter. Criteria: ACMG Guidelines, 2015. Collection method: clinical testing. Allele origin: germline. Observed: 4 variant alleles.
Comment: BP4

Ambry Genetics
Classification: Uncertain significance for Inborn genetic diseases. Last evaluated: 2025-05-07. Review status: criteria provided, single submitter. Criteria: Ambry Variant Classification Scheme 2023. Collection method: clinical testing. Allele origin: germline.

ARUP Laboratories, Molecular Genetics and Genomics, ARUP Laboratories
Classification: Uncertain significance for Autosomal recessive ataxia due to ubiquinone deficiency. Last evaluated: 2021-11-30. Review status: criteria provided, single submitter. Criteria: ARUP Molecular Germline Variant Investigation Process 2021. Collection method: clinical testing. Allele origin: germline.

Athena Diagnostics
Classification: Benign. Last evaluated: 2021-11-26. Review status: criteria provided, single submitter. Criteria: Athena Diagnostics Criteria. Collection method: clinical testing. Allele origin: unknown.

CeGaT Center for Human Genetics Tuebingen
Classification: Uncertain significance. Last evaluated: 2020-09-01. Review status: criteria provided, single submitter. Criteria: CeGaT Center For Human Genetics Tuebingen Variant Classification Criteria Version 2. Collection method: clinical testing. Allele origin: germline. Affected: yes. Observed: 1 variant allele.

Illumina Laboratory Services, Illumina
Classification: Uncertain significance for Autosomal recessive ataxia due to ubiquinone deficiency. Last evaluated: 2018-01-13. Review status: criteria provided, single submitter. Criteria: ICSL Variant Classification Criteria 13 December 2019. Collection method: clinical testing. Allele origin: germline.

GeneDx
Classification: Benign. Last evaluated: 2013-02-14. Review status: criteria provided, single submitter. Criteria: GeneDx Variant Classification (06012015). Collection method: clinical testing. Allele origin: germline. Affected: yes.
Comment: This variant is considered likely benign or benign based on one or more of the following criteria: it is a conservative change, it occurs at a poorly conserved position in the protein, it is predicted to be benign by multiple in silico algorithms, and/or has population frequency not consistent with disease.

Literature cited by the submitters: PubMed 29255295 (cited by Mayo Clinic Laboratories, Mayo Clinic).